The following is an entry in ClinVar:

NM_001005242.3(PKP2):c.1322G>C (p.Arg441Pro)

Gene: PKP2 (plakophilin 2; minus strand). Cytogenetic location: 12p11.21.
Variant type: single nucleotide variant.
Coding change: c.1322G>C on transcript NM_001005242.3 (MANE Select); coding-DNA position 1322, G replaced by C.
Protein change: p.Arg441Pro; replaces arginine 441 with proline.
Molecular consequence: missense variant.
Genome position (GRCh38, 1-based): chr12:32,850,822, C>G on the plus strand (G>C on the coding strand, the complement: PKP2 is on the minus strand). VCF-style: chr12-32850822-C-G. GRCh37 (hg19) VCF-style: chr12-33003756-C-G.
Other names: c.1322G>C, p.Arg441Pro (NM_001407155.1, NM_001407156.1, NM_001407157.1 and 2 more transcripts); c.995G>C, p.Arg332Pro (NM_001407158.1, NM_001407159.1, NM_001407160.1 and 1 more transcripts); short protein forms R332P, R441P.
Identifiers: ClinVar variation 3307094 (VCV003307094.3).

ClinVar aggregate classification (germline): Uncertain significance. Review status: criteria provided, multiple submitters, no conflicts (2 of 4 stars). 2 submissions from 2 submitters: Uncertain significance (2). Last evaluated 2025-08-06.

Conditions:
Cardiovascular phenotype. Identifiers: MedGen CN230736.
Arrhythmogenic right ventricular dysplasia 9 (ARVD9). Also called: ARRHYTHMOGENIC RIGHT VENTRICULAR DYSPLASIA, FAMILIAL, 9; Arrhythmogenic Right Ventricular Dysplasia/Cardiomyopathy 9. Identifiers: MedGen C1836906, MONDO:0012180, OMIM 609040.

gnomAD v4.1: 5 of 1,613,498 alleles (0.00031%); highest among the groups gnomAD compares: Non-Finnish European, 0.00042%; no homozygotes.

Submissions (2):

Labcorp Genetics (formerly Invitae), Labcorp
Classification: Uncertain significance for Arrhythmogenic right ventricular dysplasia 9. Last evaluated: 2025-08-06. Review status: criteria provided, single submitter. Criteria: Invitae Variant Classification Sherloc (09022015). Collection method: clinical testing. Allele origin: germline.
Comment: This sequence change replaces arginine, which is basic and polar, with proline, which is neutral and non-polar, at codon 441 of the PKP2 protein (p.Arg441Pro). This variant is not present in population databases (gnomAD no frequency). This variant has not been reported in the literature in individuals affected with PKP2-related conditions. ClinVar contains an entry for this variant (Variation ID: 3307094). An algorithm developed to predict the effect of missense changes on protein structure and function (PolyPhen-2) suggests that this variant is likely to be disruptive. In summary, the available evidence is currently insufficient to determine the role of this variant in disease. Therefore, it has been classified as a Variant of Uncertain Significance.

Ambry Genetics
Classification: Uncertain significance for Cardiovascular phenotype. Last evaluated: 2024-08-26. Review status: criteria provided, single submitter. Criteria: Ambry Variant Classification Scheme 2023. Collection method: clinical testing. Allele origin: germline.